The following is an entry in ClinVar:

NM_006493.4(CLN5):c.217A>T (p.Lys73Ter)

Gene: CLN5 (CLN5 lysosomal BMP synthase; plus strand). Cytogenetic location: 13q22.3.
Variant type: single nucleotide variant.
Coding change: c.217A>T on transcript NM_006493.4 (MANE Select); coding-DNA position 217, A replaced by T.
Protein change: p.Lys73Ter; replaces lysine 73 with a stop codon.
Molecular consequence: nonsense.
Genome position (GRCh38, 1-based): chr13:76,995,106, A>T. VCF-style: chr13-76995106-A-T. GRCh37 (hg19) VCF-style: chr13-77569241-A-T.
Other names: c.217A>T, p.Lys73Ter (NM_001366624.2); short protein forms K122*, K73*.
Identifiers: ClinVar variation 4815509 (VCV004815509.1).

ClinVar aggregate classification (germline): Likely pathogenic (1 of 4 stars; one submission).

Conditions:
Neuronal ceroid lipofuscinosis. Also called: Neuronal Ceroid Lipofuscinoses. Identifiers: Orphanet 216, Orphanet 79263, MedGen C0027877, MONDO:0016295. Disease mechanism: loss of function.

Submission:

Natera, Inc.
Classification: Likely pathogenic for Neuronal ceroid lipofuscinosis. Last evaluated: 2024-06-28. Review status: criteria provided, single submitter. Criteria: Natera Variant Classification Schema (03/2026). Collection method: clinical testing. Allele origin: germline.
Comment: The c.364A>T variant in CLN5 is a nonsense variant predicted to introduce a stop codon at amino acid 122. This variant is expected to result in nonsense mediated decay, truncation, or a dysfunctional protein product. This variant is rare in the general population with a frequency below the threshold expected for the associated phenotype(s). Given the available evidence, this variant is classified as Likely Pathogenic.